The following is an entry in ClinVar:

ClinVar aggregate classification (germline): Uncertain significance. Review status: criteria provided, multiple submitters, no conflicts (2 of 4 stars). 6 submissions from 6 submitters: Uncertain significance (6). Last evaluated 2026-02-01.

Conditions:
Noonan syndrome 2 (NS2). Identifiers: Orphanet 648, MedGen C1854469, MONDO:0011531, OMIM 605275.
LZTR1-related schwannomatosis. Also called: Schwannomatosis 2; Schwannomatosis-2, susceptibility to. Identifiers: Orphanet 93921, MedGen C3810283, MONDO:0014299, OMIM 615670.
Hereditary cancer-predisposing syndrome. Also called: Hereditary Cancer Syndrome; Tumor predisposition; Neoplastic Syndromes, Hereditary; Hereditary neoplastic syndrome. Identifiers: Orphanet 140162, MedGen C0027672, MeSH D009386, MONDO:0015356.
Cardiovascular phenotype. Identifiers: MedGen CN230736.

Allele frequency attached by ClinVar (database versions not stated): ExAC 0.00001; gnomAD exomes 0.00001 and 0.00005; TOPMed 0.00003; gnomAD 0.00004 and 0.00005.

Submissions (6):

Labcorp Genetics (formerly Invitae), Labcorp
Classification: Uncertain significance. Last evaluated: 2026-02-01. Review status: criteria provided, single submitter. Criteria: Invitae Variant Classification Sherloc (09022015). Collection method: clinical testing. Allele origin: germline.
Comment: This sequence change replaces asparagine, which is neutral and polar, with histidine, which is basic and polar, at codon 754 of the LZTR1 protein (p.Asn754His). This variant is present in population databases (rs745755957, gnomAD 0.003%). This variant has not been reported in the literature in individuals affected with LZTR1-related conditions. ClinVar contains an entry for this variant (Variation ID: 1014327). Invitae Evidence Modeling of protein sequence and biophysical properties (such as structural, functional, and spatial information, amino acid conservation, physicochemical variation, residue mobility, and thermodynamic stability) indicates that this missense variant is not expected to disrupt LZTR1 protein function with a negative predictive value of 80%. In summary, the available evidence is currently insufficient to determine the role of this variant in disease. Therefore, it has been classified as a Variant of Uncertain Significance.

Ambry Genetics
Classification: Uncertain significance for Cardiovascular phenotype; Hereditary cancer-predisposing syndrome. Last evaluated: 2025-11-17. Review status: criteria provided, single submitter. Criteria: Ambry Variant Classification Scheme 2023. Collection method: clinical testing. Allele origin: germline.
Comment: The c.2260A>C (p.N754H) alteration is located in exon 19 (coding exon 19) of the LZTR1 gene. This alteration results from a A to C substitution at nucleotide position 2260, causing the asparagine (N) at amino acid position 754 to be replaced by a histidine (H). Based on data from gnomAD, the C allele has an overall frequency of 0.001% (4/282538) total alleles studied. The highest observed frequency was 0.003% (4/128958) of European (non-Finnish) alleles. Based on insufficient or conflicting evidence, the clinical significance of this alteration remains unclear.

Women's Health and Genetics/Laboratory Corporation of America, LabCorp
Classification: Uncertain significance. Last evaluated: 2024-06-19. Review status: criteria provided, single submitter. Criteria: LabCorp Variant Classification Summary - May 2015. Collection method: clinical testing. Allele origin: germline.
Comment: Variant summary: LZTR1 c.2260A>C (p.Asn754His) results in a conservative amino acid change located in the BTB/POZ domain (IPR000210) of the encoded protein sequence. Three of five in-silico tools predict a benign effect of the variant on protein function. The variant allele was found at a frequency of 4.5e-05 in 1613328 control chromosomes, predominantly at a frequency of 5.9e-05 within the Non-Finnish European subpopulation in the gnomAD database (v4). This frequency is not significantly higher than estimated for a pathogenic variant in LZTR1 causing Noonan Syndrome 2 (4.5e-05 vs 0.0032), allowing no conclusion about variant significance. To our knowledge, no occurrence of c.2260A>C in individuals affected with Noonan Syndrome 2 and no experimental evidence demonstrating its impact on protein function have been reported. ClinVar contains an entry for this variant (Variation ID: 1014327). Based on the evidence outlined above, the variant was classified as uncertain significance.

Baylor Genetics
Classification: Uncertain significance for LZTR1-related schwannomatosis. Last evaluated: 2024-03-25. Review status: criteria provided, single submitter. Criteria: ACMG Guidelines, 2015. Collection method: clinical testing. Allele origin: unknown.

GeneDx
Classification: Uncertain significance. Last evaluated: 2024-03-13. Review status: criteria provided, single submitter. Criteria: GeneDx Variant Classification Process June 2021. Collection method: clinical testing. Allele origin: germline. Affected: yes.
Comment: Not observed at significant frequency in large population cohorts (gnomAD); In silico analysis supports that this missense variant has a deleterious effect on protein structure/function; Has not been previously published as pathogenic or benign to our knowledge

Victorian Clinical Genetics Services, Murdoch Childrens Research Institute
Classification: Uncertain significance for Noonan syndrome 2. Last evaluated: 2021-05-06. Review status: criteria provided, single submitter. Criteria: ACMG Guidelines, 2015. Collection method: clinical testing. Allele origin: germline. Inheritance: Autosomal recessive inheritance. Affected: yes.
Comment: Based on the classification scheme VCGS_Germline_v1.3.4, this variant is classified as VUS-3B. Following criteria are met: 0103 - Dominant negative is a likely mechanism of disease in this gene and is associated with autosomal dominant Noonan syndrome (MIM#616564). Loss of function is a potential mechanism of disease in this gene and is associated with autosomal recessive Noonan syndrome (MIM#605275) (PMID:30481304). (I) 0108 - This gene is associated with both recessive and dominant disease (PMID:25795793, 29469822). (I) 0200 - Variant is predicted to result in a missense amino acid change from asparagine to histidine. (I) 0251 - This variant is heterozygous. (I) 0304 - Variant is present in gnomAD (v3) <0.01 for a recessive condition (6 heterozygotes, 0 homozygotes). (SP) 0502 - Missense variant with conflicting in silico predictions and uninformative conservation. (I) 0600 - Variant is located in the annotated BTB/POZ domain (Pfam). (I) 0705 - No comparable missense variants have previous evidence for pathogenicity. (I) 0809 - Previous evidence of pathogenicity for this variant is inconclusive. This variant has been reported once as a VUS in the ClinVar database. (I) 0905 - No published segregation evidence has been identified for this variant. (I) 1007 - No published functional evidence has been identified for this variant. (I) Legend: (SP) - Supporting pathogenic, (I) - Information, (SB) - Supporting benign

Literature cited by the submitters: PubMed 25795793 (cited by Victorian Clinical Genetics Services, Murdoch Childrens Research Institute); PubMed 29469822 (cited by Victorian Clinical Genetics Services, Murdoch Childrens Research Institute); PubMed 30481304 (cited by Victorian Clinical Genetics Services, Murdoch Childrens Research Institute).

NM_006767.4(LZTR1):c.2260A>C (p.Asn754His)

Gene: LZTR1 (leucine zipper like post translational regulator 1; plus strand). Cytogenetic location: 22q11.21.
Variant type: single nucleotide variant.
Coding change: c.2260A>C on transcript NM_006767.4 (MANE Select); coding-DNA position 2260, A replaced by C.
Protein change: p.Asn754His; replaces asparagine 754 with histidine.
Molecular consequence: missense variant.
Genome position (GRCh38, 1-based): chr22:20,996,736, A>C. VCF-style: chr22-20996736-A-C. GRCh37 (hg19) VCF-style: chr22-21351025-A-C.
Other names: short protein forms N754H.
Identifiers: ClinVar variation 1014327 (VCV001014327.15), dbSNP rs745755957, ClinGen allele CA10119321.